The following is an entry in ClinVar:

NM_001851.6(COL9A1):c.1341+117T>A

Gene: COL9A1 (collagen type IX alpha 1 chain; minus strand). Cytogenetic location: 6q13.
Variant type: single nucleotide variant.
Coding change: c.1341+117T>A on transcript NM_001851.6 (MANE Select); 117 bases into the intron after coding-DNA position 1341, T replaced by A.
Molecular consequence: intron variant.
Genome position (GRCh38, 1-based): chr6:70,266,600, A>T on the plus strand (T>A on the coding strand, the complement: COL9A1 is on the minus strand). VCF-style: chr6-70266600-A-T. GRCh37 (hg19) VCF-style: chr6-70976303-A-T.
Other names: c.612+117T>A (NM_001377290.1, NM_078485.4, NM_001377289.1).
Identifiers: ClinVar variation 677937 (VCV000677937.1), dbSNP rs12195310, ClinGen allele CA12298247.

ClinVar aggregate classification (germline): Benign (1 of 4 stars; one submission).

Allele frequency attached by ClinVar (database versions not stated): 1000 Genomes Project 30x 0.08588; 1000 Genomes Project 0.08726; TOPMed 0.11623; gnomAD 0.12573 and 0.12631.
gnomAD v4.1: 134,001 of 862,366 alleles (16%); highest among the groups gnomAD compares: Middle Eastern, 18%; 11,796 homozygotes.

Submission:

GeneDx
Classification: Benign. Last evaluated: 2018-06-14. Review status: criteria provided, single submitter. Criteria: GeneDx Variant Classification (06012015). Collection method: clinical testing. Allele origin: germline. Affected: yes.
Comment: This variant is considered likely benign or benign based on one or more of the following criteria: it is a conservative change, it occurs at a poorly conserved position in the protein, it is predicted to be benign by multiple in silico algorithms, and/or has population frequency not consistent with disease.